The following is an entry in ClinVar:

ClinVar aggregate classification (germline): Uncertain significance. Review status: criteria provided, multiple submitters, no conflicts (2 of 4 stars). 2 submissions from 2 submitters: Uncertain significance (2). Last evaluated 2025-10-09.

Conditions:
RASopathy. Also called: rasopathies; Noonan spectrum disorder. Identifiers: Orphanet 536391, MedGen C5555857, MONDO:0021060.

Allele frequency attached by ClinVar (database versions not stated): gnomAD 0.00001.
gnomAD v4.1: 2 of 1,601,168 alleles (0.00012%); highest among the groups gnomAD compares: Non-Finnish European, 0.00017%; no homozygotes.

Submissions (2):

Labcorp Genetics (formerly Invitae), Labcorp
Classification: Uncertain significance for RASopathy. Last evaluated: 2025-10-09. Review status: criteria provided, single submitter. Criteria: Invitae Variant Classification Sherloc (09022015). Collection method: clinical testing. Allele origin: germline.
Comment: This sequence change replaces arginine, which is basic and polar, with glutamine, which is neutral and polar, at codon 1158 of the SOS1 protein (p.Arg1158Gln). This variant is not present in population databases (gnomAD no frequency). This variant has not been reported in the literature in individuals affected with SOS1-related conditions. ClinVar contains an entry for this variant (Variation ID: 1945858). Invitae Evidence Modeling of protein sequence and biophysical properties (such as structural, functional, and spatial information, amino acid conservation, physicochemical variation, residue mobility, and thermodynamic stability) indicates that this missense variant is not expected to disrupt SOS1 protein function with a negative predictive value of 95%. In summary, the available evidence is currently insufficient to determine the role of this variant in disease. Therefore, it has been classified as a Variant of Uncertain Significance.

Revvity Omics, Revvity
Classification: Uncertain significance. Last evaluated: 2021-04-23. Review status: criteria provided, single submitter. Criteria: ACMG Guidelines, 2015. Collection method: clinical testing. Allele origin: germline.

NM_005633.4(SOS1):c.3473G>A (p.Arg1158Gln)

Gene: SOS1 (SOS Ras/Rac guanine nucleotide exchange factor 1; minus strand). Cytogenetic location: 2p22.1.
Variant type: single nucleotide variant.
Coding change: c.3473G>A on transcript NM_005633.4 (MANE Select); coding-DNA position 3473, G replaced by A.
Protein change: p.Arg1158Gln; replaces arginine 1158 with glutamine.
Molecular consequence: missense variant.
Genome position (GRCh38, 1-based): chr2:38,987,510, C>T on the plus strand (G>A on the coding strand, the complement: SOS1 is on the minus strand). VCF-style: chr2-38987510-C-T. GRCh37 (hg19) VCF-style: chr2-39214651-C-T.
Other names: c.3452G>A, p.Arg1151Gln (NM_001382394.1); c.3428G>A, p.Arg1143Gln (NM_001382395.1); short protein forms R1143Q, R1158Q, R1151Q.
Identifiers: ClinVar variation 1945858 (VCV001945858.8), dbSNP rs1668591994, ClinGen allele CA346359531.